The following is an entry in ClinVar:

NM_006030.4(CACNA2D2):c.3068A>G (p.Asn1023Ser)

Genes: CACNA2D2 (calcium voltage-gated channel auxiliary subunit alpha2delta 2; minus strand), LOC101928965 (uncharacterized LOC101928965; plus strand), LOC127898564 (CYB561D2-LOC101928965; plus strand). Cytogenetic location: 3p21.31.
Variant type: single nucleotide variant.
Coding change: c.3068A>G on transcript NM_006030.4 (MANE Select); coding-DNA position 3068, A replaced by G.
Protein change: p.Asn1023Ser; replaces asparagine 1023 with serine.
Molecular consequence: missense variant. On other transcripts: non-coding transcript variant (2).
Genome position (GRCh38, 1-based): chr3:50,365,386, T>C on the plus strand (A>G on the coding strand, the complement: CACNA2D2 is on the minus strand). VCF-style: chr3-50365386-T-C. GRCh37 (hg19) VCF-style: chr3-50402817-T-C.
Other names: c.3068A>G, p.Asn1023Ser (NM_001005505.3); c.3089A>G, p.Asn1030Ser (NM_001174051.3); c.2861A>G, p.Asn954Ser (NM_001291101.1); c.3071A>G, p.Asn1024Ser (NM_001410768.1); short protein forms N1030S, N1024S, N954S, N1023S.
Identifiers: ClinVar variation 1956750 (VCV001956750.2), dbSNP rs1704192629, ClinGen allele CA352900982.
Genomic context (GRCh38, chr3:50,365,386, plus strand): 5'-TGGCCTCTGGTCCCGCCCCACTGCCAGCACCTGGAGCAGTTTCCGCAGTCGATGATGGCG[T>C]TGTAGGAGGCGTTTACCGAGCCGAAGTAGTACTGGGTCTGTTTCATGACGCAGCTGCTCT-3'
Protein context (NP_006021.2, residues 1013-1033): YYFGSVNASY[Asn1023Ser]AIIDCGNCSR

ClinVar aggregate classification (germline): Uncertain significance (1 of 4 stars; one submission).

Conditions:
Developmental and epileptic encephalopathy. Identifiers: MedGen C5779964, MONDO:0100620.

Allele frequency attached by ClinVar (database versions not stated): TOPMed below 0.00001.
gnomAD v4.1: 2 of 1,613,420 alleles (0.00012%); highest among the groups gnomAD compares: Non-Finnish European, 0.00017%; no homozygotes.

Submission:

Labcorp Genetics (formerly Invitae), Labcorp
Classification: Uncertain significance for Early-infantile DEE. Last evaluated: 2022-07-23. Review status: criteria provided, single submitter. Criteria: Invitae Variant Classification Sherloc (09022015). Collection method: clinical testing. Allele origin: germline.
Comment: This sequence change replaces asparagine, which is neutral and polar, with serine, which is neutral and polar, at codon 1023 of the CACNA2D2 protein (p.Asn1023Ser). This variant is not present in population databases (gnomAD no frequency). This variant has not been reported in the literature in individuals affected with CACNA2D2-related conditions. Algorithms developed to predict the effect of missense changes on protein structure and function (SIFT, PolyPhen-2, Align-GVGD) all suggest that this variant is likely to be tolerated. In summary, the available evidence is currently insufficient to determine the role of this variant in disease. Therefore, it has been classified as a Variant of Uncertain Significance.